The following is an entry in ClinVar:

NM_175914.5(HNF4A):c.768G>C (p.Glu256Asp)

Gene: HNF4A (hepatocyte nuclear factor 4 alpha; plus strand). Cytogenetic location: 20q13.12.
Variant type: single nucleotide variant.
Coding change: c.768G>C on transcript NM_175914.5 (MANE Select); coding-DNA position 768, G replaced by C.
Protein change: p.Glu256Asp; replaces glutamic acid 256 with aspartic acid.
Molecular consequence: missense variant.
Genome position (GRCh38, 1-based): chr20:44,419,818, G>C. VCF-style: chr20-44419818-G-C. GRCh37 (hg19) VCF-style: chr20-43048458-G-C.
Other names: NM_175914.5(HNF4A):c.768G>C; p.Glu256Asp; c.834G>C (NM_000457.4); c.834G>C, p.Glu278Asp (NM_000457.6, NM_178849.3, NM_178850.3); c.768G>C, p.Glu256Asp (NM_001030003.3, NM_001030004.3); c.813G>C, p.Glu271Asp (NM_001258355.2); c.759G>C, p.Glu253Asp (NM_001287182.2, NM_001287183.2, NM_001287184.2); short protein forms E256D, E278D, E253D, E271D.
Identifiers: ClinVar variation 36360 (VCV000036360.7), dbSNP rs193922477, ClinGen allele CA213981.
Genomic context (GRCh38, chr20:44,419,818, plus strand): 5'-GGCGGAGATGAGCCGGGTGTCCATACGCATCCTTGACGAGCTGGTGCTGCCCTTCCAGGA[G>C]CTGCAGATCGATGACAATGAGTATGCCTACCTCAAAGCCATCATCTTCTTTGACCCAGGT-3'
Protein context (NP_787110.2, residues 246-266): ILDELVLPFQ[Glu256Asp]LQIDDNEYAY

ClinVar aggregate classification (germline): Uncertain significance. Review status: reviewed by expert panel (3 of 4 stars). 4 submissions from 4 submitters: Uncertain significance (1). 3 of the submissions do not count toward it. Last evaluated 2024-09-26.

Conditions:
Monogenic diabetes. Identifiers: Orphanet 183625, MedGen C3888631, MONDO:0015967.
Maturity-onset diabetes of the young (MODY). Also called: Maturity onset diabetes mellitus in young. Identifiers: Orphanet 552, MedGen C0342276, MONDO:0018911, HP:0004904.

Allele frequency attached by ClinVar (database versions not stated): TOPMed 0.00003; gnomAD 0.00004; gnomAD exomes 0.00006 and below 0.00001; ExAC 0.00001.
gnomAD v4.1: 90 of 1,614,026 alleles (0.0056%); highest among the groups gnomAD compares: Non-Finnish European, 0.0074%; no homozygotes.

Submissions (4):

ClinGen Monogenic Diabetes Variant Curation Expert Panel
Classification: Uncertain significance for Monogenic diabetes. Last evaluated: 2024-09-26. Review status: reviewed by expert panel. Criteria: ClinGen Diabetes ACMG Specifications HNF4A V2.0.0. Collection method: curation. Allele origin: germline. Inheritance: Autosomal dominant inheritance.
Comment: The c.768G>C variant in the hepatocyte nuclear factor 4 alpha gene, HNF4A, causes an amino acid change of glutamate to aspartate at codon 256 (p.(Glu256Asp)) of NM_175914.5. This variant has an incomputable gnomAD v2.1.1 Grpmax filtering allele frequency due to 1 copy in the European non-Finnish subpopulation and 1 copy in any other subpopulation, thereby meeting the ClinGen MDEP threshold criteria for PM2_Supporting (ENF Grpmax FAF <= 0.000003 and <= 2 copies in ENF and <=1 copy in any other subpopulation) (PM2_Supporting). This variant has a REVEL score of 0.364, which is between the ClinGen MDEP thresholds for BP4 and PP3, predicting neither a damaging nor benign impact on HNF4A function. This variant was identified in an individual with diabetes; however, the calculated MODY probability is <50% (internal lab contributors). In summary, c.768G>C meets the criteria to be classified as uncertain significance for monogenic diabetes. ACMG/AMP criteria applied, as specified by the ClinGen MDEP (specification version 2.0.0, approved 10/11/2023): PM2_supporting.

Athena Diagnostics
Classification: Uncertain significance. Last evaluated: 2021-05-28. Review status: criteria provided, single submitter. Criteria: Athena Diagnostics criteria. Collection method: clinical testing. Allele origin: unknown. Not counted in ClinVar's aggregate classification.

Women's Health and Genetics/Laboratory Corporation of America, LabCorp
Classification: Uncertain significance. Last evaluated: 2021-05-14. Review status: criteria provided, single submitter. Criteria: LabCorp Variant Classification Summary - May 2015. Collection method: clinical testing. Allele origin: germline. Not counted in ClinVar's aggregate classification.
Comment: Variant summary: HNF4A c.768G>C (p.Glu256Asp) results in a conservative amino acid change located in the Nuclear hormone receptor, ligand-binding domain (IPR000536) of the encoded protein sequence. Four of five in-silico tools predict a benign effect of the variant on protein function. The variant allele was found at a frequency of 4e-06 in 251484 control chromosomes. The available data on variant occurrences in the general population are insufficient to allow any conclusion about variant significance. c.768G>C has been reported in the literature in at least one individual affected with Maturity Onset Diabetes Of The Young without evidence for causality (e.g. Chambers_2016, Majidi_2018). These reports do not provide unequivocal conclusions about association of the variant with Maturity Onset Diabetes Of The Young 1/Neonatal Diabetes Mellitus. To our knowledge, no experimental evidence demonstrating an impact on protein function has been reported. One ClinVar submitter (evaluation after 2014) has cited the variant as uncertain significance. Based on the evidence outlined above, the variant was classified as uncertain significance.

Broad Center for Mendelian Genomics, Broad Institute of MIT and Harvard
Classification: Uncertain significance for Maturity-onset diabetes of the young. Last evaluated: 2020-01-22. Review status: criteria provided, single submitter. Criteria: ACMG Guidelines, 2015. Collection method: curation. Allele origin: germline. Inheritance: Autosomal dominant inheritance. Not counted in ClinVar's aggregate classification.
Comment: The p.Glu278Asp variant in HNF4A has been reported in one individual with suspected Maturity-Onset Diabetes of the Young (PMID: 26059258), and has been identified in 0.004005% (1/24968) of African chromosomes and 0.0007741% (1/129180) of European (non-Finnish) chromosomes by the Genome Aggregation Database (gnomAD; dbSNP rs193922477). Although this variant has been seen in the general population, its frequency is low enough to be consistent with a carrier frequency. Please note that for diseases with clinical variability, or reduced penetrance, pathogenic variants may be present at a low frequency in the general population. This variant has also been reported likely pathogenic in ClinVar and likely benign in the literature (Variation ID: 36360; PMID: 26059258). Computational prediction tools and conservation analyses do not provide strong support for or against an impact to the protein. In summary, the clinical significance of the p.Glu278Asp variant is uncertain. ACMG/AMP Criteria applied: PM2_Supporting (Richards 2015).

Literature cited by the submitters: PubMed 26059258 (cited by Athena Diagnostics and Women's Health and Genetics/Laboratory Corporation of America, LabCorp); PubMed 29355436 (cited by Athena Diagnostics and Women's Health and Genetics/Laboratory Corporation of America, LabCorp).